The following is an entry in ClinVar:

ClinVar aggregate classification (germline): Uncertain significance (1 of 4 stars; one submission).

Conditions:
Infantile-onset ascending hereditary spastic paralysis (IAHSP). Also called: Infantile-Onset Ascending Hereditary Spastic Paralysis (IAHSP); Autosomal Recessive Juvenile Amyotrophic Lateral Sclerosis. Identifiers: Orphanet 293168, MedGen C2931441, MONDO:0011797, OMIM 607225. Disease mechanism: loss of function.

Submission:

Labcorp Genetics (formerly Invitae), Labcorp
Classification: Uncertain significance for Infantile-onset ascending hereditary spastic paralysis. Last evaluated: 2018-12-28. Review status: criteria provided, single submitter. Criteria: Invitae Variant Classification Sherloc (09022015). Collection method: clinical testing. Allele origin: germline.
Comment: This sequence change replaces valine with phenylalanine at codon 1543 of the ALS2 protein (p.Val1543Phe). The valine residue is highly conserved and there is a small physicochemical difference between valine and phenylalanine. This variant is not present in population databases (ExAC no frequency). This variant has not been reported in the literature in individuals with ALS2-related conditions. Algorithms developed to predict the effect of missense changes on protein structure and function are either unavailable or do not agree on the potential impact of this missense change (SIFT: "Deleterious"; PolyPhen-2: "Benign"; Align-GVGD: "Class C0"). Algorithms developed to predict the effect of sequence changes on RNA splicing suggest that this variant may disrupt the consensus splice site, but this prediction has not been confirmed by published transcriptional studies. In summary, the available evidence is currently insufficient to determine the role of this variant in disease. Therefore, it has been classified as a Variant of Uncertain Significance.

NM_020919.4(ALS2):c.4627G>T (p.Val1543Phe)

Gene: ALS2 (alsin Rho guanine nucleotide exchange factor ALS2; minus strand). Cytogenetic location: 2q33.1.
Variant type: single nucleotide variant.
Coding change: c.4627G>T on transcript NM_020919.4 (MANE Select); coding-DNA position 4627, G replaced by T.
Protein change: p.Val1543Phe; replaces valine 1543 with phenylalanine.
Molecular consequence: missense variant.
Genome position (GRCh38, 1-based): chr2:201,705,200, C>A on the plus strand (G>T on the coding strand, the complement: ALS2 is on the minus strand). VCF-style: chr2-201705200-C-A. GRCh37 (hg19) VCF-style: chr2-202569923-C-A.
Other names: short protein forms V1543F.
Identifiers: ClinVar variation 640352 (VCV000640352.1), dbSNP rs760222980, ClinGen allele CA350321771.